The following is an entry in ClinVar:

NM_000754.4(COMT):c.576C>A (p.His192Gln)

Gene: COMT (catechol-O-methyltransferase; plus strand). Cytogenetic location: 22q11.21.
Variant type: single nucleotide variant.
Coding change: c.576C>A on transcript NM_000754.4 (MANE Select); coding-DNA position 576, C replaced by A.
Protein change: p.His192Gln; replaces histidine 192 with glutamine.
Molecular consequence: missense variant.
Genome position (GRCh38, 1-based): chr22:19,964,260, C>A. VCF-style: chr22-19964260-C-A. GRCh37 (hg19) VCF-style: chr22-19951783-C-A.
Other names: c.576C>A, p.His192Gln (NM_001135161.2, NM_001135162.2, NM_001362828.2); c.426C>A, p.His142Gln (NM_007310.3); short protein forms H142Q, H192Q.
Identifiers: ClinVar variation 4535398 (VCV004535398.6).
Genomic context (GRCh38, chr22:19,964,260, plus strand): 5'-CATCCCCCAGCTGAAGAAGAAGTATGATGTGGACACACTGGACATGGTCTTCCTCGACCA[C>A]TGGAAGGACCGGTACCTGCCGGACACGCTTCTCTTGGAGGTGAGCCCCAACCAGGATGGC-3'
Protein context (NP_000745.1, residues 182-202): VDTLDMVFLD[His192Gln]WKDRYLPDTL

ClinVar aggregate classification (germline): Uncertain significance (1 of 4 stars; one submission).

Submission:

CeGaT Center for Human Genetics Tuebingen
Classification: Uncertain significance. Last evaluated: 2025-11-01. Review status: criteria provided, single submitter. Criteria: CeGaT Center For Human Genetics Tuebingen Variant Classification Criteria Version 2. Collection method: clinical testing. Allele origin: germline. Affected: yes. Observed: 1 variant allele.
Comment: COMT: PM2